The following is an entry in ClinVar:

ClinVar aggregate classification (germline): Uncertain significance. Review status: criteria provided, multiple submitters, no conflicts (2 of 4 stars). 2 submissions from 2 submitters: Uncertain significance (2). Last evaluated 2025-11-19.

Conditions:
Cardiovascular phenotype. Identifiers: MedGen CN230736.

Allele frequency attached by ClinVar (database versions not stated): gnomAD exomes below 0.00001; ExAC 0.00001; TOPMed 0.00002.
gnomAD v4.1: 5 of 1,613,750 alleles (0.00031%); highest among the groups gnomAD compares: African/African-American, 0.0053%; no homozygotes.

Submissions (2):

Ambry Genetics
Classification: Uncertain significance for Cardiovascular phenotype. Last evaluated: 2025-11-19. Review status: criteria provided, single submitter. Criteria: Ambry Variant Classification Scheme 2023. Collection method: clinical testing. Allele origin: germline.
Comment: The p.R734G variant (also known as c.2200A>G), located in coding exon 5 of the ALPK3 gene, results from an A to G substitution at nucleotide position 2200. The arginine at codon 734 is replaced by glycine, an amino acid with dissimilar properties. This amino acid position is not well conserved in available vertebrate species. In addition, this alteration is predicted to be tolerated by in silico analysis. Based on the available evidence, the clinical significance of this variant remains unclear.

Labcorp Genetics (formerly Invitae), Labcorp
Classification: Uncertain significance. Last evaluated: 2025-03-16. Review status: criteria provided, single submitter. Criteria: Invitae Variant Classification Sherloc (09022015). Collection method: clinical testing. Allele origin: germline.
Comment: This sequence change replaces arginine, which is basic and polar, with glycine, which is neutral and non-polar, at codon 734 of the ALPK3 protein (p.Arg734Gly). This variant is present in population databases (rs775263709, gnomAD 0.007%). This variant has not been reported in the literature in individuals affected with ALPK3-related conditions. ClinVar contains an entry for this variant (Variation ID: 1505030). Invitae Evidence Modeling of protein sequence and biophysical properties (such as structural, functional, and spatial information, amino acid conservation, physicochemical variation, residue mobility, and thermodynamic stability) indicates that this missense variant is not expected to disrupt ALPK3 protein function with a negative predictive value of 80%. In summary, the available evidence is currently insufficient to determine the role of this variant in disease. Therefore, it has been classified as a Variant of Uncertain Significance.

NM_020778.5(ALPK3):c.1594A>G (p.Arg532Gly)

Genes: ALPK3 (alpha kinase 3; plus strand), LOC111718493 (skeletal muscle cis-regulatory module overlapping ALPK3; plus strand). Cytogenetic location: 15q25.3.
Variant type: single nucleotide variant.
Coding change: c.1594A>G on transcript NM_020778.5 (MANE Select); coding-DNA position 1594, A replaced by G.
Protein change: p.Arg532Gly; replaces arginine 532 with glycine.
Molecular consequence: missense variant.
Genome position (GRCh38, 1-based): chr15:84,840,873, A>G. VCF-style: chr15-84840873-A-G. GRCh37 (hg19) VCF-style: chr15-85384104-A-G.
Other names: short protein forms R532G.
Identifiers: ClinVar variation 1505030 (VCV001505030.11), dbSNP rs775263709, ClinGen allele CA7709229.
Genomic context (GRCh38, chr15:84,840,873, plus strand): 5'-AGCTTAGGAAAGGCCCCACCTCAGGCCTCTGTGCAGGTGCCGACGCCCCCTGCCCGGCGG[A>G]GACATGGCACCCGGGACAGCACGTTGCAGGGGCAAGCAGGCCACAGGACTCCAGGAGAGG-3'
Protein context (NP_065829.4, residues 522-542): VQVPTPPARR[Arg532Gly]HGTRDSTLQG